The following is an entry in ClinVar:

NM_001286.5(CLCN6):c.15G>T (p.Arg5Ser)

Gene: CLCN6 (chloride voltage-gated channel 6; plus strand). Cytogenetic location: 1p36.22.
Variant type: single nucleotide variant.
Coding change: c.15G>T on transcript NM_001286.5 (MANE Select); coding-DNA position 15, G replaced by T.
Protein change: p.Arg5Ser; replaces arginine 5 with serine.
Molecular consequence: missense variant. On other transcripts: non-coding transcript variant (1).
Genome position (GRCh38, 1-based): chr1:11,806,277, G>T. VCF-style: chr1-11806277-G-T. GRCh37 (hg19) VCF-style: chr1-11866334-G-T.
Other names: c.15G>T, p.Arg5Ser (NM_001256959.2); short protein forms R5S.
Identifiers: ClinVar variation 4751565 (VCV004751565.1).

ClinVar aggregate classification (germline): Uncertain significance (1 of 4 stars; one submission).

gnomAD v4.1: 6 of 1,491,966 alleles (0.0004%); highest among the groups gnomAD compares: Non-Finnish European, 0.00044%; no homozygotes.

Submission:

Labcorp Genetics (formerly Invitae), Labcorp
Classification: Uncertain significance. Last evaluated: 2026-01-19. Review status: criteria provided, single submitter. Criteria: Invitae Variant Classification Sherloc (09022015). Collection method: clinical testing. Allele origin: germline.
Comment: This sequence change replaces arginine, which is basic and polar, with serine, which is neutral and polar, at codon 5 of the CLCN6 protein (p.Arg5Ser). This variant is not present in population databases (gnomAD no frequency). This variant has not been reported in the literature in individuals affected with CLCN6-related conditions. Experimental studies and prediction algorithms are not available or were not evaluated, and the functional significance of this variant is currently unknown. In summary, the available evidence is currently insufficient to determine the role of this variant in disease. Therefore, it has been classified as a Variant of Uncertain Significance.